The following is an entry in ClinVar:

NM_025179.4(PLXNA2):c.99C>T (p.Ala33=)

Gene: PLXNA2 (plexin A2; minus strand). Cytogenetic location: 1q32.2.
Variant type: single nucleotide variant.
Coding change: c.99C>T on transcript NM_025179.4 (MANE Select); coding-DNA position 99, C replaced by T.
Protein change: p.Ala33=; no amino-acid change (alanine 33 retained).
Molecular consequence: synonymous variant.
Genome position (GRCh38, 1-based): chr1:208,217,824, G>A on the plus strand (C>T on the coding strand, the complement: PLXNA2 is on the minus strand). VCF-style: chr1-208217824-G-A. GRCh37 (hg19) VCF-style: chr1-208391169-G-A.
Identifiers: ClinVar variation 4979636 (VCV004979636.1).

ClinVar aggregate classification (germline): Likely benign (1 of 4 stars; one submission).

Conditions:
PLXNA2-related disorder. Also called: PLXNA2-related condition.

gnomAD v4.1: 18 of 1,613,944 alleles (0.0011%); highest among the groups gnomAD compares: East Asian, 0.0022%; no homozygotes.

Submission:

PreventionGenetics, part of Exact Sciences
Classification: Likely benign for PLXNA2-related condition. Last evaluated: 2025-07-19. Review status: criteria provided, single submitter. Criteria: ACMG Guidelines, 2015. Collection method: clinical testing. Allele origin: germline.
Comment: This variant is classified as likely benign based on ACMG/AMP sequence variant interpretation guidelines (Richards et al. 2015 PMID: 25741868, with internal and published modifications).